The following is an entry in ClinVar:

ClinVar aggregate classification (germline): Pathogenic (1 of 4 stars; one submission).

Conditions:
Hereditary cancer-predisposing syndrome. Also called: Tumor predisposition; Neoplastic Syndromes, Hereditary; Hereditary Cancer Syndrome; Hereditary neoplastic syndrome. Identifiers: Orphanet 140162, MedGen C0027672, MeSH D009386, MONDO:0015356.

Submission:

Color Diagnostics, LLC DBA Color Health
Classification: Pathogenic for Hereditary cancer-predisposing syndrome. Last evaluated: 2021-07-14. Review status: criteria provided, single submitter. Criteria: ACMG Guidelines, 2015. Collection method: clinical testing. Allele origin: germline.
Comment: This variant deletes one nucleotide and inserts two new nucleotides in exon 48 of the ATM gene, creating a frameshift and premature translation stop signal. This variant is expected to result in an absent or non-functional protein product. To our knowledge, this variant has not been reported in individuals affected with hereditary cancer in the literature. This variant has not been identified in the general population by the Genome Aggregation Database (gnomAD). Loss of ATM function is a known mechanism of disease. Based on the available evidence, this variant is classified as Pathogenic.

NM_000051.4(ATM):c.7022delinsTT (p.Cys2341fs)

Genes: ATM (ATM serine/threonine kinase; plus strand), C11orf65 (chromosome 11 open reading frame 65; minus strand). Cytogenetic location: 11q22.3.
Variant type: Indel.
Coding change: c.7022delinsTT on transcript NM_000051.4 (MANE Select); coding-DNA position 7022, G replaced by TT.
Protein change: p.Cys2341fs; shifts the reading frame from cysteine 2341.
Molecular consequence: frameshift variant. On other transcripts: intron variant (2).
Genome position (GRCh38, 1-based): chr11:108,327,691, G replaced by TT. VCF-style: chr11-108327691-G-TT. GRCh37 (hg19) VCF-style: chr11-108198418-G-TT.
Other names: c.7022delinsTT, p.Cys2341fs (NM_001351834.2); c.641-18620delinsAA (NM_001330368.2); c.*38+7529delinsAA (NM_001351110.2); short protein forms C2341fs.
Identifiers: ClinVar variation 2774706 (VCV002774706.1), dbSNP rs2547232571, ClinGen allele CA2697556944.